The following is an entry in ClinVar:

NM_001170700.3(DTHD1):c.1564A>G (p.Asn522Asp)

Gene: DTHD1 (death domain containing 1; plus strand). Cytogenetic location: 4p14.
Variant type: single nucleotide variant.
Coding change: c.1564A>G on transcript NM_001170700.3 (MANE Select); coding-DNA position 1564, A replaced by G.
Protein change: p.Asn522Asp; replaces asparagine 522 with aspartic acid.
Molecular consequence: missense variant. On other transcripts: non-coding transcript variant (2).
Genome position (GRCh38, 1-based): chr4:36,294,960, A>G. VCF-style: chr4-36294960-A-G. GRCh37 (hg19) VCF-style: chr4-36296582-A-G.
Other names: c.694A>G, p.Asn232Asp (NM_001136536.5); c.631A>G, p.Asn211Asp (NM_001378435.1); short protein forms N232D, N211D, N522D.
Identifiers: ClinVar variation 2122202 (VCV002122202.4), dbSNP rs2529731322, ClinGen allele CA356680087.

ClinVar aggregate classification (germline): Uncertain significance (1 of 4 stars; one submission).

Submission:

Labcorp Genetics (formerly Invitae), Labcorp
Classification: Uncertain significance. Last evaluated: 2023-07-17. Review status: criteria provided, single submitter. Criteria: Invitae Variant Classification Sherloc (09022015). Collection method: clinical testing. Allele origin: germline.
Comment: In summary, the available evidence is currently insufficient to determine the role of this variant in disease. Therefore, it has been classified as a Variant of Uncertain Significance. An algorithm developed to predict the effect of missense changes on protein structure and function (PolyPhen-2) suggests that this variant is likely to be tolerated. ClinVar contains an entry for this variant (Variation ID: 2122202). This variant has not been reported in the literature in individuals affected with DTHD1-related conditions. This variant is not present in population databases (gnomAD no frequency). This sequence change replaces asparagine, which is neutral and polar, with aspartic acid, which is acidic and polar, at codon 232 of the DTHD1 protein (p.Asn232Asp).